The following is an entry in ClinVar:

ClinVar aggregate classification (germline): Uncertain significance (1 of 4 stars; one submission).

Allele frequency attached by ClinVar (database versions not stated): TOPMed below 0.00001.

Submission:

Labcorp Genetics (formerly Invitae), Labcorp
Classification: Uncertain significance. Last evaluated: 2021-05-01. Review status: criteria provided, single submitter. Criteria: Invitae Variant Classification Sherloc (09022015). Collection method: clinical testing. Allele origin: germline.
Comment: In summary, the available evidence is currently insufficient to determine the role of this variant in disease. Therefore, it has been classified as a Variant of Uncertain Significance. Advanced modeling of protein sequence and biophysical properties (such as structural, functional, and spatial information, amino acid conservation, physicochemical variation, residue mobility, and thermodynamic stability) performed at Invitae indicates that this missense variant is not expected to disrupt GRHPR protein function. This variant has not been reported in the literature in individuals with GRHPR-related conditions. This variant is not present in population databases (ExAC no frequency). This sequence change replaces isoleucine with leucine at codon 15 of the GRHPR protein (p.Ile15Leu). The isoleucine residue is moderately conserved and there is a small physicochemical difference between isoleucine and leucine.

NM_012203.2(GRHPR):c.43A>C (p.Ile15Leu)

Gene: GRHPR (glyoxylate and hydroxypyruvate reductase; plus strand). Cytogenetic location: 9p13.2.
Variant type: single nucleotide variant.
Coding change: c.43A>C on transcript NM_012203.2 (MANE Select); coding-DNA position 43, A replaced by C.
Protein change: p.Ile15Leu; replaces isoleucine 15 with leucine.
Molecular consequence: missense variant.
Genome position (GRCh38, 1-based): chr9:37,422,793, A>C. VCF-style: chr9-37422793-A-C. GRCh37 (hg19) VCF-style: chr9-37422790-A-C.
Other names: short protein forms I15L.
Identifiers: ClinVar variation 1350443 (VCV001350443.8), dbSNP rs1822894446, ClinGen allele CA373441243.